The following is an entry in ClinVar:

ClinVar aggregate classification (germline): Uncertain significance. Review status: criteria provided, multiple submitters, no conflicts (2 of 4 stars). 2 submissions from 2 submitters: Uncertain significance (2). Last evaluated 2025-04-28.

Conditions:
Anophthalmia-microphthalmia syndrome. Also called: Anophthalmia/Microphthalmia; Anophthalmia - microphthalmia. Identifiers: Orphanet 98555, MedGen C5680330, MONDO:0020147.

Allele frequency attached by ClinVar (database versions not stated): ExAC 0.00002; gnomAD 0.00003 and 0.00004; TOPMed 0.00003; ESP Exome Variant Server 0.00008.
gnomAD v4.1: 13 of 1,614,022 alleles (0.00081%); highest among the groups gnomAD compares: African/African-American, 0.013%; no homozygotes.

Submissions (2):

Labcorp Genetics (formerly Invitae), Labcorp
Classification: Uncertain significance for Anophthalmia-microphthalmia syndrome. Last evaluated: 2025-04-28. Review status: criteria provided, single submitter. Criteria: Invitae Variant Classification Sherloc (09022015). Collection method: clinical testing. Allele origin: germline.
Comment: This sequence change replaces proline, which is neutral and non-polar, with threonine, which is neutral and polar, at codon 133 of the OTX2 protein (p.Pro133Thr). This variant is present in population databases (rs376333965, gnomAD 0.02%). This missense change has been observed in individual(s) with microphthalmia (PMID: 15846561). This variant is also known as c.568C>A. ClinVar contains an entry for this variant (Variation ID: 1303148). An algorithm developed to predict the effect of missense changes on protein structure and function (PolyPhen-2) suggests that this variant is likely to be tolerated. Experimental studies have shown that this missense change does not substantially affect OTX2 function (PMID: 16607563). In summary, the available evidence is currently insufficient to determine the role of this variant in disease. Therefore, it has been classified as a Variant of Uncertain Significance.

GeneDx
Classification: Uncertain significance. Last evaluated: 2019-09-19. Review status: criteria provided, single submitter. Criteria: GeneDx Variant Classification Process June 2021. Collection method: clinical testing. Allele origin: germline. Affected: yes.
Comment: Observed in a patient with bilateral microphthalmia and left sclerocornea in the published literature (Ragge et al., 2005); In silico analysis, which includes protein predictors and evolutionary conservation, supports a deleterious effect; This variant is associated with the following publications: (PMID: 15846561)

Literature cited by the submitters: PubMed 15846561 (cited by Labcorp Genetics (formerly Invitae), Labcorp); PubMed 16607563 (cited by Labcorp Genetics (formerly Invitae), Labcorp).

NM_021728.4(OTX2):c.421C>A (p.Pro141Thr)

Gene: OTX2 (orthodenticle homeobox 2; minus strand). Cytogenetic location: 14q22.3.
Variant type: single nucleotide variant.
Coding change: c.421C>A on transcript NM_021728.4 (MANE Select); coding-DNA position 421, C replaced by A.
Protein change: p.Pro141Thr; replaces proline 141 with threonine.
Molecular consequence: missense variant. On other transcripts: non-coding transcript variant (2).
Genome position (GRCh38, 1-based): chr14:56,802,208, G>T on the plus strand (C>A on the coding strand, the complement: OTX2 is on the minus strand). VCF-style: chr14-56802208-G-T. GRCh37 (hg19) VCF-style: chr14-57268926-G-T.
Other names: c.397C>A, p.Pro133Thr (NM_001270523.2, NM_001270524.2, NM_172337.3); c.421C>A, p.Pro141Thr (NM_001270525.2); short protein forms P133T, P141T.
Identifiers: ClinVar variation 1303148 (VCV001303148.6), dbSNP rs376333965, ClinGen allele CA7200486.
Genomic context (GRCh38, chr14:56,802,208, plus strand): 5'-TCCAGATAGACACAGGAGCACTGCTGCTGGCAATGGTCGGGACTGAGGTGCTAGAGGGGG[G>T]AGTGAATTGGCCACTTGTTCCACTCTCTGAACTCACTTCCCGAGCTGGAGATGTCTTCTT-3'
Protein context (NP_068374.1, residues 131-151): SESGTSGQFT[Pro141Thr]PSSTSVPTIA